The following is an entry in ClinVar:

NM_199355.4(ADAMTS18):c.1190G>C (p.Trp397Ser)

Gene: ADAMTS18 (ADAM metallopeptidase with thrombospondin type 1 motif 18; minus strand). Cytogenetic location: 16q23.1.
Variant type: single nucleotide variant.
Coding change: c.1190G>C on transcript NM_199355.4 (MANE Select); coding-DNA position 1190, G replaced by C.
Protein change: p.Trp397Ser; replaces tryptophan 397 with serine.
Molecular consequence: missense variant.
Genome position (GRCh38, 1-based): chr16:77,362,131, C>G on the plus strand (G>C on the coding strand, the complement: ADAMTS18 is on the minus strand). VCF-style: chr16-77362131-C-G. GRCh37 (hg19) VCF-style: chr16-77396028-C-G.
Other names: c.674G>C, p.Trp225Ser (NM_001326358.2); short protein forms W225S, W397S.
Identifiers: ClinVar variation 1428504 (VCV001428504.5), dbSNP rs2056724359, ClinGen allele CA396835694.

ClinVar aggregate classification (germline): Uncertain significance (1 of 4 stars; one submission).

Allele frequency attached by ClinVar (database versions not stated): gnomAD exomes below 0.00001; TOPMed below 0.00001.
gnomAD v4.1: 5 of 1,614,012 alleles (0.00031%); highest among the groups gnomAD compares: Middle Eastern, 0.017%; no homozygotes.

Submission:

Labcorp Genetics (formerly Invitae), Labcorp
Classification: Uncertain significance. Last evaluated: 2022-08-22. Review status: criteria provided, single submitter. Criteria: Invitae Variant Classification Sherloc (09022015). Collection method: clinical testing. Allele origin: germline.
Comment: This sequence change replaces tryptophan, which is neutral and slightly polar, with serine, which is neutral and polar, at codon 397 of the ADAMTS18 protein (p.Trp397Ser). This variant is not present in population databases (gnomAD no frequency). This variant has not been reported in the literature in individuals affected with ADAMTS18-related conditions. ClinVar contains an entry for this variant (Variation ID: 1428504). Algorithms developed to predict the effect of missense changes on protein structure and function are either unavailable or do not agree on the potential impact of this missense change (SIFT: "Not Available"; PolyPhen-2: "Probably Damaging"; Align-GVGD: "Not Available"). In summary, the available evidence is currently insufficient to determine the role of this variant in disease. Therefore, it has been classified as a Variant of Uncertain Significance.